The following is an entry in ClinVar:

NM_022367.4(SEMA4A):c.2107G>T (p.Val703Leu)

Gene: SEMA4A (semaphorin 4A; plus strand). Cytogenetic location: 1q22.
Variant type: single nucleotide variant.
Coding change: c.2107G>T on transcript NM_022367.4 (MANE Select); coding-DNA position 2107, G replaced by T.
Protein change: p.Val703Leu; replaces valine 703 with leucine.
Molecular consequence: missense variant.
Genome position (GRCh38, 1-based): chr1:156,176,818, G>T. VCF-style: chr1-156176818-G-T. GRCh37 (hg19) VCF-style: chr1-156146609-G-T.
Other names: c.2107G>T, p.Val703Leu (NM_001193300.2, NM_001193301.2, NM_001370567.1); c.1711G>T, p.Val571Leu (NM_001193302.2); c.1810G>T, p.Val604Leu (NM_001370568.1); c.1600G>T, p.Val534Leu (NM_001370569.1, NM_001370571.1); short protein forms V534L, V571L, V604L, V703L.
Identifiers: ClinVar variation 1054080 (VCV001054080.9), dbSNP rs775595294, ClinGen allele CA1155525.

ClinVar aggregate classification (germline): Uncertain significance (1 of 4 stars; one submission).

gnomAD v4.1: 7 of 1,614,026 alleles (0.00043%); highest among the groups gnomAD compares: African/African-American, 0.0093%; no homozygotes.

Submission:

Labcorp Genetics (formerly Invitae), Labcorp
Classification: Uncertain significance. Last evaluated: 2022-02-03. Review status: criteria provided, single submitter. Criteria: Invitae Variant Classification Sherloc (09022015). Collection method: clinical testing. Allele origin: germline.
Comment: This sequence change replaces valine, which is neutral and non-polar, with leucine, which is neutral and non-polar, at codon 703 of the SEMA4A protein (p.Val703Leu). In summary, the available evidence is currently insufficient to determine the role of this variant in disease. Therefore, it has been classified as a Variant of Uncertain Significance. Algorithms developed to predict the effect of missense changes on protein structure and function output the following: SIFT: "Tolerated"; PolyPhen-2: "Benign"; Align-GVGD: "Class C0". The leucine amino acid residue is found in multiple mammalian species, which suggests that this missense change does not adversely affect protein function. ClinVar contains an entry for this variant (Variation ID: 1054080). This variant has not been reported in the literature in individuals affected with SEMA4A-related conditions. This variant is present in population databases (rs775595294, gnomAD 0.02%).